The following is an entry in ClinVar:

ClinVar aggregate classification (germline): Benign/Likely benign. Review status: criteria provided, multiple submitters, no conflicts (2 of 4 stars). 3 submissions from 3 submitters: Benign (1); Likely benign (2). Last evaluated 2026-06-05.

Conditions:
Gastrointestinal stromal tumor. Also called: Gastrointestinal stromal tumor, somatic; Gastrointestinal stroma tumor. Identifiers: Orphanet 44890, MedGen C0238198, MeSH D046152, MONDO:0011719, OMIM 606764, HP:0100723.
Hereditary cancer-predisposing syndrome. Also called: Hereditary neoplastic syndrome; Neoplastic Syndromes, Hereditary; Hereditary Cancer Syndrome; Tumor predisposition. Identifiers: Orphanet 140162, MedGen C0027672, MeSH D009386, MONDO:0015356.

Allele frequency attached by ClinVar (database versions not stated): gnomAD exomes below 0.00001 and 0.00002; ExAC 0.00001; gnomAD 0.00001; TOPMed 0.00001; ESP Exome Variant Server 0.00008.
gnomAD v4.1: 27 of 1,613,980 alleles (0.0017%); highest among the groups gnomAD compares: Non-Finnish European, 0.0019%; no homozygotes.

Submissions (3):

Myriad Genetics, Inc.
Classification: Benign for Gastrointestinal stromal tumor. Last evaluated: 2026-06-05. Review status: criteria provided, single submitter. Criteria: Myriad Autosomal Dominant, Autosomal Recessive and X-Linked Classification Criteria (2023). Collection method: clinical testing. Allele origin: unknown.
Comment: This variant is considered benign. This variant is a silent/synonymous amino acid change and it is not expected to impact splicing.

Labcorp Genetics (formerly Invitae), Labcorp
Classification: Likely benign for Gastrointestinal stromal tumor. Last evaluated: 2026-01-07. Review status: criteria provided, single submitter. Criteria: Invitae Variant Classification Sherloc (09022015). Collection method: clinical testing. Allele origin: germline.

Ambry Genetics
Classification: Likely benign for Hereditary cancer-predisposing syndrome. Last evaluated: 2022-02-21. Review status: criteria provided, single submitter. Criteria: Ambry Variant Classification Scheme 2023. Collection method: clinical testing. Allele origin: germline.

NM_000222.3(KIT):c.2880C>T (p.Val960=)

Gene: KIT (KIT proto-oncogene, receptor tyrosine kinase; plus strand). Cytogenetic location: 4q12.
Variant type: single nucleotide variant.
Coding change: c.2880C>T on transcript NM_000222.3 (MANE Select); coding-DNA position 2880, C replaced by T.
Protein change: p.Val960=; no amino-acid change (valine 960 retained).
Molecular consequence: synonymous variant.
Genome position (GRCh38, 1-based): chr4:54,738,506, C>T. VCF-style: chr4-54738506-C-T. GRCh37 (hg19) VCF-style: chr4-55604672-C-T.
Other names: c.2868C>T, p.Val956= (NM_001093772.2, NM_001385292.1); c.2883C>T, p.Val961= (NM_001385284.1); c.2877C>T, p.Val959= (NM_001385285.1); c.2865C>T, p.Val955= (NM_001385286.1); c.2871C>T, p.Val957= (NM_001385288.1); c.2880C>T, p.Val960= (NM_001385290.1).
Identifiers: ClinVar variation 528645 (VCV000528645.15), dbSNP rs375833392, ClinGen allele CA2923887.
Genomic context (GRCh38, chr4:54,738,506, plus strand): 5'-AAACTGCAGCCCCAACCGACAGAAGCCCGTGGTAGACCATTCTGTGCGGATCAATTCTGT[C>T]GGCAGCACCGCTTCCTCCTCCCAGCCTCTGCTTGTGCACGACGATGTCTGAGCAGAATCA-3'
Protein context (NP_000213.1, residues 950-970): VVDHSVRINS[Val960=]GSTASSSQPL